The following is an entry in ClinVar:

ClinVar aggregate classification (germline): Likely pathogenic. Review status: reviewed by expert panel (3 of 4 stars). 2 submissions from 2 submitters: Likely pathogenic (1). 1 of the submissions does not count toward it. Last evaluated 2026-10-02.

Conditions:
Hereditary thrombocytopenia and hematologic cancer predisposition syndrome. Identifiers: Orphanet 71290, MedGen CN281654, MONDO:0011071.

Submissions (2):

ClinGen Myeloid Malignancy Variant Curation Expert Panel
Classification: Likely pathogenic for Hereditary thrombocytopenia and hematologic cancer predisposition syndrome. Last evaluated: 2026-10-02. Review status: reviewed by expert panel. Criteria: ClinGen MyeloMalig ACMG Specifications V3.1. Collection method: curation. Allele origin: germline. Inheritance: Autosomal dominant inheritance.
Comment: NM_001754.5(RUNX1):c.593A>C (p.Asp198Ala) is a missense variant which affects one of the hotspot residues (Asp198) within the RHD (amino acids 89-204; PM1_Strong). This variant has a REVEL score ≥ 0.88 (0.96) (PP3) and is completely absent from all population databases with at least 20x coverage for RUNX1 (PM2_Supporting). In summary, this variant meets the criteria to be classified as likely pathogenic. ACMG/AMP criteria applied, as specified by the Myeloid Malignancy Variant Curation Expert Panel for RUNX1: PM1_Strong, PP3, PM2_Supporting, PS4_Supporting.

PreventionGenetics, part of Exact Sciences
Classification: Likely pathogenic. Last evaluated: 2021-09-21. Review status: criteria provided, single submitter. Criteria: ACMG Guidelines, 2015. Collection method: clinical testing. Allele origin: germline. Not counted in ClinVar's aggregate classification.

NM_001754.5(RUNX1):c.593A>C (p.Asp198Ala)

Genes: RUNX1 (RUNX family transcription factor 1; minus strand), RUNX1-AS1 (RUNX1 antisense RNA 1; plus strand). Cytogenetic location: 21q22.12.
Variant type: single nucleotide variant.
Coding change: c.593A>C on transcript NM_001754.5 (MANE Select); coding-DNA position 593, A replaced by C.
Protein change: p.Asp198Ala; replaces aspartic acid 198 with alanine.
Molecular consequence: missense variant.
Genome position (GRCh38, 1-based): chr21:34,859,494, T>G on the plus strand (A>C on the coding strand, the complement: RUNX1 is on the minus strand). VCF-style: chr21-34859494-T-G. GRCh37 (hg19) VCF-style: chr21-36231791-T-G.
Other names: NM_001754.5(RUNX1):c.593A>C; p.Asp198Ala; c.512A>C, p.Asp171Ala (NM_001001890.3, NM_001122607.2); short protein forms D198A, D171A.
Identifiers: ClinVar variation 561251 (VCV000561251.5), dbSNP rs1569061786, ClinGen allele CA410207974.
Genomic context (GRCh38, chr21:34,859,494, plus strand): 5'-CAGCCTGGAGGGTGTACCAGCCCCAAGTGGATGCACTTACTTCGAGGTTCTCGGGGCCCA[T>G]CCACTGTGATTTTGATGGCTCTGTGGTAGGTGGCGACTTGCGGTGGGTTTGTGAAGACAG-3'
Protein context (NP_001745.2, residues 188-208): TYHRAIKITV[Asp198Ala]GPREPRRHRQ